The following is an entry in ClinVar:

NM_001365951.3(KIF1B):c.2115+7360T>G

Gene: KIF1B (kinesin family member 1B; plus strand). Cytogenetic location: 1p36.22.
Variant type: single nucleotide variant.
Coding change: c.2115+7360T>G on transcript NM_001365951.3 (MANE Select); 7360 bases into the intron after coding-DNA position 2115, T replaced by G.
Molecular consequence: intron variant. On other transcripts: missense variant (2).
Genome position (GRCh38, 1-based): chr1:10,304,606, T>G. VCF-style: chr1-10304606-T-G. GRCh37 (hg19) VCF-style: chr1-10364664-T-G.
Other names: c.3421T>G, p.Ser1141Ala (NM_001365953.1, NM_183416.4); c.1977+7360T>G (NM_015074.3); c.2115+7360T>G (NM_001365952.1); short protein forms S1141A.
Identifiers: ClinVar variation 3356172 (VCV003356172.1).

ClinVar aggregate classification (germline): Uncertain significance (0 of 4 stars; one submission).

Conditions:
KIF1B-related disorder. Also called: KIF1B-related condition.

gnomAD v4.1: 3 of 1,614,088 alleles (0.00019%); highest among the groups gnomAD compares: Non-Finnish European, 0.00025%; no homozygotes.

Submission:

PreventionGenetics, part of Exact Sciences
Classification: Uncertain significance for KIF1B-related condition. Last evaluated: 2024-09-25. Review status: no assertion criteria provided. Collection method: clinical testing. Allele origin: germline.
Comment: The KIF1B c.3421T>G variant is predicted to result in the amino acid substitution p.Ser1141Ala. To our knowledge, this variant has not been reported in the literature or in a large population database, indicating this variant is rare. At this time, the clinical significance of this variant is uncertain due to the absence of conclusive functional and genetic evidence.